The following is an entry in ClinVar:

NM_000051.4(ATM):c.8869C>G (p.Leu2957Val)

Genes: ATM (ATM serine/threonine kinase; plus strand), C11orf65 (chromosome 11 open reading frame 65; minus strand). Cytogenetic location: 11q22.3.
Variant type: single nucleotide variant.
Coding change: c.8869C>G on transcript NM_000051.4 (MANE Select); coding-DNA position 8869, C replaced by G.
Protein change: p.Leu2957Val; replaces leucine 2957 with valine.
Molecular consequence: missense variant. On other transcripts: intron variant (2).
Genome position (GRCh38, 1-based): chr11:108,365,100, C>G. VCF-style: chr11-108365100-C-G. GRCh37 (hg19) VCF-style: chr11-108235827-C-G.
Other names: c.8869C>G, p.Leu2957Val (NM_001351834.2); c.640+20820G>C (NM_001330368.2); c.694+20820G>C (NM_001351110.2); short protein forms L2957V.
Identifiers: ClinVar variation 1484113 (VCV001484113.9), dbSNP rs2137872203, ClinGen allele CA382529603.
Genomic context (GRCh38, chr11:108,365,100, plus strand): 5'-AATGTACATTGTTCTTTTAATACATATGTTCTCTCTGTTTAGGTCCTTCTATATGATCCA[C>G]TCTTTGACTGGACCATGAATCCTTTGAAAGCTTTGTATTTACAGCAGAGGCCGGAAGATG-3'
Protein context (NP_000042.3, residues 2947-2967): TIVEVLLYDP[Leu2957Val]FDWTMNPLKA

ClinVar aggregate classification (germline): Uncertain significance. Review status: criteria provided, multiple submitters, no conflicts (2 of 4 stars). 2 submissions from 2 submitters: Uncertain significance (2). Last evaluated 2024-11-03.

Conditions:
Ataxia-telangiectasia syndrome (AT). Also called: LOUIS-BAR SYNDROME; Cerebello-oculocutaneous telangiectasia; Immunodeficiency with ataxia telangiectasia; Ataxia telangiectasia (A-T); Ataxia-telangiectasia, complementation group D; AT, COMPLEMENTATION GROUP C. Identifiers: Orphanet 100, MedGen C0004135, MONDO:0008840, OMIM 208900.

Submissions (2):

Labcorp Genetics (formerly Invitae), Labcorp
Classification: Uncertain significance for Ataxia-telangiectasia syndrome. Last evaluated: 2024-11-03. Review status: criteria provided, single submitter. Criteria: Invitae Variant Classification Sherloc (09022015). Collection method: clinical testing. Allele origin: germline.
Comment: This sequence change replaces leucine, which is neutral and non-polar, with valine, which is neutral and non-polar, at codon 2957 of the ATM protein (p.Leu2957Val). This variant is not present in population databases (gnomAD no frequency). This variant has not been reported in the literature in individuals affected with ATM-related conditions. ClinVar contains an entry for this variant (Variation ID: 1484113). Invitae Evidence Modeling of protein sequence and biophysical properties (such as structural, functional, and spatial information, amino acid conservation, physicochemical variation, residue mobility, and thermodynamic stability) has been performed for this missense variant. However, the output from this modeling did not meet the statistical confidence thresholds required to predict the impact of this variant on ATM protein function. In summary, the available evidence is currently insufficient to determine the role of this variant in disease. Therefore, it has been classified as a Variant of Uncertain Significance.

GeneDx
Classification: Uncertain significance. Last evaluated: 2023-05-26. Review status: criteria provided, single submitter. Criteria: GeneDx Variant Classification Process June 2021. Collection method: clinical testing. Allele origin: germline. Affected: yes.
Comment: Not observed at significant frequency in large population cohorts (gnomAD); In silico analysis supports that this missense variant has a deleterious effect on protein structure/function; Has not been previously published as pathogenic or benign to our knowledge; This variant is associated with the following publications: (PMID: 23532176)